The following is an entry in ClinVar:

ClinVar aggregate classification (germline): Uncertain significance. Review status: criteria provided, multiple submitters, no conflicts (2 of 4 stars). 4 submissions from 4 submitters: Uncertain significance (4). Last evaluated 2024-11-27.

Conditions:
Hereditary nonpolyposis colorectal neoplasms. Identifiers: MedGen C0009405, MeSH D003123.
Hereditary cancer-predisposing syndrome. Also called: Tumor predisposition; Neoplastic Syndromes, Hereditary; Hereditary neoplastic syndrome; Hereditary Cancer Syndrome. Identifiers: Orphanet 140162, MedGen C0027672, MeSH D009386, MONDO:0015356.

Allele frequency attached by ClinVar (database versions not stated): gnomAD exomes below 0.00001.
gnomAD v4.1: 1 of 1,614,138 alleles (0.000062%); highest among the groups gnomAD compares: Non-Finnish European, 0.000085%; no homozygotes.

Submissions (4):

Labcorp Genetics (formerly Invitae), Labcorp
Classification: Uncertain significance for Hereditary nonpolyposis colorectal neoplasms. Last evaluated: 2024-11-27. Review status: criteria provided, single submitter. Criteria: Invitae Variant Classification Sherloc (09022015). Collection method: clinical testing. Allele origin: germline.
Comment: This sequence change replaces tyrosine, which is neutral and polar, with histidine, which is basic and polar, at codon 478 of the MSH6 protein (p.Tyr478His). This variant is not present in population databases (gnomAD no frequency). This variant has not been reported in the literature in individuals affected with MSH6-related conditions. ClinVar contains an entry for this variant (Variation ID: 631047). Invitae Evidence Modeling of protein sequence and biophysical properties (such as structural, functional, and spatial information, amino acid conservation, physicochemical variation, residue mobility, and thermodynamic stability) has been performed for this missense variant. However, the output from this modeling did not meet the statistical confidence thresholds required to predict the impact of this variant on MSH6 protein function. In summary, the available evidence is currently insufficient to determine the role of this variant in disease. Therefore, it has been classified as a Variant of Uncertain Significance.

Color Diagnostics, LLC DBA Color Health
Classification: Uncertain significance for Hereditary cancer-predisposing syndrome. Last evaluated: 2023-12-05. Review status: criteria provided, single submitter. Criteria: ACMG Guidelines, 2015. Collection method: clinical testing. Allele origin: germline.
Comment: This missense variant replaces tyrosine with histidine at codon 478 of the MSH6 protein. Computational prediction suggests that this variant may have deleterious impact on protein structure and function (internally defined REVEL score threshold >= 0.7, PMID: 27666373). To our knowledge, functional studies have not been reported for this variant. This variant has not been reported in individuals affected with MSH6-related disorders in the literature. This variant has not been identified in the general population by the Genome Aggregation Database (gnomAD). The available evidence is insufficient to determine the role of this variant in disease conclusively. Therefore, this variant is classified as a Variant of Uncertain Significance.

Ambry Genetics
Classification: Uncertain significance for Hereditary cancer-predisposing syndrome. Last evaluated: 2023-02-18. Review status: criteria provided, single submitter. Criteria: Ambry Variant Classification Scheme 2023. Collection method: clinical testing. Allele origin: germline.
Comment: The p.Y478H variant (also known as c.1432T>C), located in coding exon 4 of the MSH6 gene, results from a T to C substitution at nucleotide position 1432. The tyrosine at codon 478 is replaced by histidine, an amino acid with similar properties. This amino acid position is conserved. In addition, this alteration is predicted to be deleterious by in silico analysis. Since supporting evidence is limited at this time, the clinical significance of this alteration remains unclear.

GeneDx
Classification: Uncertain significance. Last evaluated: 2022-02-17. Review status: criteria provided, single submitter. Criteria: GeneDx Variant Classification Process June 2021. Collection method: clinical testing. Allele origin: germline. Affected: yes.
Comment: Not observed at significant frequency in large population cohorts (gnomAD); In silico analysis supports that this missense variant has a deleterious effect on protein structure/function; Has not been previously published as pathogenic or benign to our knowledge; This variant is associated with the following publications: (PMID: 17531815, 21120944)

NM_000179.3(MSH6):c.1432T>C (p.Tyr478His)

Gene: MSH6 (mutS homolog 6; plus strand). Cytogenetic location: 2p16.3.
Variant type: single nucleotide variant.
Coding change: c.1432T>C on transcript NM_000179.3 (MANE Select); coding-DNA position 1432, T replaced by C.
Protein change: p.Tyr478His; replaces tyrosine 478 with histidine.
Molecular consequence: missense variant.
Genome position (GRCh38, 1-based): chr2:47,799,415, T>C. VCF-style: chr2-47799415-T-C. GRCh37 (hg19) VCF-style: chr2-48026554-T-C.
Other names: c.1042T>C, p.Tyr348His (NM_001281492.2); c.526T>C, p.Tyr176His (NM_001281493.2, NM_001281494.2); short protein forms Y478H, Y176H, Y348H.
Identifiers: ClinVar variation 631047 (VCV000631047.10), dbSNP rs1558661654, ClinGen allele CA346745508.
Genomic context (GRCh38, chr2:47,799,415, plus strand): 5'-CATTCTGGCTTTCCTGAAATTGCATTTGGCCGTTATTCAGATTCCCTGGTGCAGAAGGGC[T>C]ATAAAGTAGCACGAGTGGAACAGACTGAGACTCCAGAAATGATGGAGGCACGATGTAGAA-3'
Protein context (NP_000170.1, residues 468-488): RYSDSLVQKG[Tyr478His]KVARVEQTET